The following is an entry in ClinVar:

NM_001001331.4(ATP2B2):c.2405-2A>G

Gene: ATP2B2 (ATPase plasma membrane Ca2+ transporting 2; minus strand). Cytogenetic location: 3p25.3.
Variant type: single nucleotide variant.
Coding change: c.2405-2A>G on transcript NM_001001331.4 (MANE Select); the canonical splice acceptor site of the intron before coding-DNA position 2405, A replaced by G.
Molecular consequence: splice acceptor variant.
Genome position (GRCh38, 1-based): chr3:10,346,139, T>C on the plus strand (A>G on the coding strand, the complement: ATP2B2 is on the minus strand). VCF-style: chr3-10346139-T-C. GRCh37 (hg19) VCF-style: chr3-10387823-T-C.
Other names: c.2270-2A>G (NM_001438036.1, NM_001353564.1, NM_001683.5 and 2 more transcripts); c.2312-2A>G (NM_001438646.1).
Identifiers: ClinVar variation 4829582 (VCV004829582.1).
Genomic context (GRCh38, chr3:10,346,139, plus strand): 5'-CCCGTCCCCCGTCACGGCCACCACCTGCCGCTGCTCAGTGTGTGTGCTGTCGATGATGCC[T>C]GTTGGGGCAGGAGTGTGCTCAGGCCCTGGGCCACTCAGGTGGGAGGCAGCCTGGGCCAGC-3'

ClinVar aggregate classification (germline): Likely pathogenic (1 of 4 stars; one submission).

Submission:

Ambry Genetics
Classification: Likely pathogenic. Last evaluated: 2026-01-07. Review status: criteria provided, single submitter. Criteria: Ambry Variant Classification Scheme 2023. Collection method: clinical testing. Allele origin: germline.
Comment: The c.2270-2A>G intronic variant results from an A to G substitution two nucleotides before exon 14 (coding exon 13) of the ATP2B2 gene. Alterations that disrupt the canonical splice site are expected to cause aberrant splicing, resulting in an abnormal protein or a transcript that is subject to nonsense-mediated mRNA decay. for ATP2B2-related deafness; however, its clinical significance for ATP2B2-related neurodevelopmental disorder is uncertain. This variant was not reported in population-based cohorts in the Genome Aggregation Database (gnomAD). This variant was reported as heterozygous in individual(s) with features consistent with ATP2B2-related deafness (Ambry internal data). This nucleotide position is highly conserved in available vertebrate species. In silico splice site analysis predicts that this alteration will weaken the native splice acceptor site and may result in the creation or strengthening of a novel splice acceptor site. Based on the available evidence, this alteration is classified as likely pathogenic.